The following is an entry in ClinVar:

ClinVar aggregate classification (germline): Likely benign. Review status: criteria provided, multiple submitters, no conflicts (2 of 4 stars). 3 submissions from 3 submitters: Likely benign (3). Last evaluated 2024-07-19.

Conditions:
Hereditary cancer-predisposing syndrome. Also called: Neoplastic Syndromes, Hereditary; Hereditary Cancer Syndrome; Tumor predisposition; Hereditary neoplastic syndrome. Identifiers: Orphanet 140162, MedGen C0027672, MeSH D009386, MONDO:0015356.
Familial cancer of breast. Also called: Hereditary breast cancer; BREAST CANCER, FAMILIAL; hereditary breast carcinoma. Identifiers: Orphanet 227535, MedGen C0346153, MONDO:0016419, OMIM 114480. Disease mechanism: loss of function.

Allele frequency attached by ClinVar (database versions not stated): gnomAD exomes below 0.00001.
gnomAD v4.1: 2 of 1,601,858 alleles (0.00012%); highest among the groups gnomAD compares: African/African-American, 0.0027%; no homozygotes.

Submissions (3):

Myriad Genetics, Inc.
Classification: Likely benign for Familial cancer of breast. Last evaluated: 2024-07-19. Review status: criteria provided, single submitter. Criteria: Myriad Autosomal Dominant, Autosomal Recessive and X-Linked Classification Criteria (2023). Collection method: clinical testing. Allele origin: unknown.
Comment: This variant is considered likely benign. This variant is intronic and is not expected to impact mRNA splicing.

Labcorp Genetics (formerly Invitae), Labcorp
Classification: Likely benign for Familial cancer of breast. Last evaluated: 2020-05-29. Review status: criteria provided, single submitter. Criteria: Invitae Variant Classification Sherloc (09022015). Collection method: clinical testing. Allele origin: germline.

Color Diagnostics, LLC DBA Color Health
Classification: Likely benign for Hereditary cancer-predisposing syndrome. Last evaluated: 2018-11-21. Review status: criteria provided, single submitter. Criteria: ACMG Guidelines, 2015. Collection method: clinical testing. Allele origin: germline.

NM_000465.4(BARD1):c.365-9T>C

Gene: BARD1 (BRCA1 associated RING domain 1; minus strand). Cytogenetic location: 2q35.
Variant type: single nucleotide variant.
Coding change: c.365-9T>C on transcript NM_000465.4 (MANE Select); 9 bases into the intron before coding-DNA position 365, T replaced by C.
Molecular consequence: intron variant.
Genome position (GRCh38, 1-based): chr2:214,781,518, A>G on the plus strand (T>C on the coding strand, the complement: BARD1 is on the minus strand). VCF-style: chr2-214781518-A-G. GRCh37 (hg19) VCF-style: chr2-215646242-A-G.
Other names: c.158+27894T>C (NM_001282548.2); c.308-9T>C (NM_001282543.2); c.215+15543T>C (NM_001282545.2); c.364+10779T>C (NM_001282549.2).
Identifiers: ClinVar variation 927549 (VCV000927549.13), dbSNP rs1695037195, ClinGen allele CA913188033.